The following is an entry in ClinVar:

NM_004656.4(BAP1):c.408G>C (p.Glu136Asp)

Gene: BAP1 (BRCA1 associated deubiquitinase 1; minus strand). Cytogenetic location: 3p21.1.
Variant type: single nucleotide variant.
Coding change: c.408G>C on transcript NM_004656.4 (MANE Select); coding-DNA position 408, G replaced by C.
Protein change: p.Glu136Asp; replaces glutamic acid 136 with aspartic acid.
Molecular consequence: missense variant.
Genome position (GRCh38, 1-based): chr3:52,407,428, C>G on the plus strand (G>C on the coding strand, the complement: BAP1 is on the minus strand). VCF-style: chr3-52407428-C-G. GRCh37 (hg19) VCF-style: chr3-52441444-C-G.
Other names: short protein forms E136D.
Identifiers: ClinVar variation 1499734 (VCV001499734.8), dbSNP rs2153227956, ClinGen allele CA353110937.

ClinVar aggregate classification (germline): Uncertain significance (1 of 4 stars; one submission).

Conditions:
BAP1-related tumor predisposition syndrome (TPDS1). Also called: BAP1 tumor predisposition syndrome; Tumor susceptibility linked to germline BAP1 mutations; COMMON Syndrome; TUMOR PREDISPOSITION SYNDROME 1. Identifiers: Orphanet 289539, MedGen C3280492, MONDO:0013692, OMIM 614327.

Submission:

Labcorp Genetics (formerly Invitae), Labcorp
Classification: Uncertain significance for BAP1-related tumor predisposition syndrome. Last evaluated: 2022-10-24. Review status: criteria provided, single submitter. Criteria: Invitae Variant Classification Sherloc (09022015). Collection method: clinical testing. Allele origin: germline.
Comment: This sequence change replaces glutamic acid, which is acidic and polar, with aspartic acid, which is acidic and polar, at codon 136 of the BAP1 protein (p.Glu136Asp). In summary, the available evidence is currently insufficient to determine the role of this variant in disease. Therefore, it has been classified as a Variant of Uncertain Significance. Advanced modeling of protein sequence and biophysical properties (such as structural, functional, and spatial information, amino acid conservation, physicochemical variation, residue mobility, and thermodynamic stability) performed at Invitae indicates that this missense variant is not expected to disrupt BAP1 protein function. ClinVar contains an entry for this variant (Variation ID: 1499734). This variant has not been reported in the literature in individuals affected with BAP1-related conditions. This variant is not present in population databases (gnomAD no frequency).